The following is an entry in ClinVar:

ClinVar aggregate classification (germline): Pathogenic/Likely pathogenic. Review status: criteria provided, multiple submitters, no conflicts (2 of 4 stars). 2 submissions from 2 submitters: Pathogenic (1); Likely pathogenic (1). Last evaluated 2025-07-14.

Conditions:
Mucopolysaccharidosis, MPS-III-D (MPS3D). Also called: MUCOPOLYSACCHARIDOSIS, TYPE IIID; N-ACETYLGLUCOSAMINE-6-SULFATASE DEFICIENCY; SANFILIPPO SYNDROME D; MPS III D; Mucopoly-saccharidosis type 3D; N-acetylglucosamine-6-sulfate sulfatase deficiency. Identifiers: Orphanet 581, Orphanet 79272, MedGen C0086650, MONDO:0009658, OMIM 252940.

Allele frequency attached by ClinVar (database versions not stated): gnomAD exomes below 0.00001.
gnomAD v4.1: 2 of 1,613,128 alleles (0.00012%); highest among the groups gnomAD compares: Non-Finnish European, 0.00017%; no homozygotes.

Submissions (2):

Labcorp Genetics (formerly Invitae), Labcorp
Classification: Pathogenic for Mucopolysaccharidosis, MPS-III-D. Last evaluated: 2025-07-14. Review status: criteria provided, single submitter. Criteria: Invitae Variant Classification Sherloc (09022015). Collection method: clinical testing. Allele origin: germline.
Comment: This sequence change creates a premature translational stop signal (p.Trp238*) in the GNS gene. It is expected to result in an absent or disrupted protein product. Loss-of-function variants in GNS are known to be pathogenic (PMID: 20232353). This variant is not present in population databases (gnomAD no frequency). This variant has not been reported in the literature in individuals affected with GNS-related conditions. ClinVar contains an entry for this variant (Variation ID: 1722378). For these reasons, this variant has been classified as Pathogenic.

Women's Health and Genetics/Laboratory Corporation of America, LabCorp
Classification: Likely pathogenic for Mucopolysaccharidosis, MPS-III-D. Last evaluated: 2022-09-01. Review status: criteria provided, single submitter. Criteria: LabCorp Variant Classification Summary - May 2015. Collection method: clinical testing. Allele origin: germline.
Comment: Variant summary: GNS c.714G>A (p.Trp238X) results in a premature termination codon, predicted to cause a truncation of the encoded protein or absence of the protein due to nonsense mediated decay, which are commonly known mechanisms for disease. Truncations downstream of this position have been reported in affected individuals (HGMD). The variant was absent in 251484 control chromosomes (gnomAD). To our knowledge, no occurrence of c.714G>A in individuals affected with Mucopolysaccharidosis Type IIID (Sanfilippo Syndrome D) and no experimental evidence demonstrating its impact on protein function have been reported. No clinical diagnostic laboratories have submitted clinical-significance assessments for this variant to ClinVar after 2014. Based on the evidence outlined above, the variant was classified as likely pathogenic.

Literature cited by the submitters: PubMed 20232353 (cited by Labcorp Genetics (formerly Invitae), Labcorp).

NM_002076.4(GNS):c.714G>A (p.Trp238Ter)

Gene: GNS (glucosamine (N-acetyl)-6-sulfatase; minus strand). Cytogenetic location: 12q14.3.
Variant type: single nucleotide variant.
Coding change: c.714G>A on transcript NM_002076.4 (MANE Select); coding-DNA position 714, G replaced by A.
Protein change: p.Trp238Ter; replaces tryptophan 238 with a stop codon.
Molecular consequence: nonsense.
Genome position (GRCh38, 1-based): chr12:64,743,219, C>T on the plus strand (G>A on the coding strand, the complement: GNS is on the minus strand). VCF-style: chr12-64743219-C-T. GRCh37 (hg19) VCF-style: chr12-65136999-C-T.
Other names: short protein forms W238*.
Identifiers: ClinVar variation 1722378 (VCV001722378.4), dbSNP rs2539523681, ClinGen allele CA385609040.
Genomic context (GRCh38, chr12:64,743,219, plus strand): 5'-GTTCTTGTTTCTTGGTGCAAAGACATTCTGGAAAGCCTTCTGGTACTGAGGTGCAGCTGT[C>T]CAAGGCGAATGAGGCGCTGGAGTGGCGATCATCATGAAGAAGGGCTCAAAGTTGGACTTG-3'